The following is an entry in ClinVar:

NM_022725.4(FANCF):c.849A>C (p.Gln283His)

Gene: FANCF (FA complementation group F; minus strand). Cytogenetic location: 11p14.3.
Variant type: single nucleotide variant.
Coding change: c.849A>C on transcript NM_022725.4 (MANE Select); coding-DNA position 849, A replaced by C.
Protein change: p.Gln283His; replaces glutamine 283 with histidine.
Molecular consequence: missense variant.
Genome position (GRCh38, 1-based): chr11:22,624,962, T>G on the plus strand (A>C on the coding strand, the complement: FANCF is on the minus strand). VCF-style: chr11-22624962-T-G. GRCh37 (hg19) VCF-style: chr11-22646508-T-G.
Other names: short protein forms Q283H.
Identifiers: ClinVar variation 1391665 (VCV001391665.6), dbSNP rs146848948, ClinGen allele CA380058206.

ClinVar aggregate classification (germline): Uncertain significance (1 of 4 stars; one submission).

Conditions:
Fanconi anemia (FA). Also called: Fanconi's anemia. Identifiers: Orphanet 84, MedGen C0015625, MeSH D005199, MONDO:0019391.

Allele frequency attached by ClinVar (database versions not stated): gnomAD 0.00001; TOPMed 0.00002.

Submission:

Labcorp Genetics (formerly Invitae), Labcorp
Classification: Uncertain significance for Fanconi anemia. Last evaluated: 2024-08-17. Review status: criteria provided, single submitter. Criteria: Invitae Variant Classification Sherloc (09022015). Collection method: clinical testing. Allele origin: germline.
Comment: This sequence change replaces glutamine, which is neutral and polar, with histidine, which is basic and polar, at codon 283 of the FANCF protein (p.Gln283His). This variant is present in population databases (no rsID available, gnomAD 0.01%). This variant has not been reported in the literature in individuals affected with FANCF-related conditions. ClinVar contains an entry for this variant (Variation ID: 1391665). Invitae Evidence Modeling of protein sequence and biophysical properties (such as structural, functional, and spatial information, amino acid conservation, physicochemical variation, residue mobility, and thermodynamic stability) indicates that this missense variant is not expected to disrupt FANCF protein function with a negative predictive value of 80%. In summary, the available evidence is currently insufficient to determine the role of this variant in disease. Therefore, it has been classified as a Variant of Uncertain Significance.